The following is an entry in ClinVar:

ClinVar aggregate classification (germline): Uncertain significance. Review status: criteria provided, multiple submitters, no conflicts (2 of 4 stars). 3 submissions from 3 submitters: Uncertain significance (3). Last evaluated 2025-06-18.

Conditions:
Hereditary nonpolyposis colorectal neoplasms. Identifiers: MedGen C0009405, MeSH D003123.
Hereditary cancer-predisposing syndrome. Also called: Hereditary neoplastic syndrome; Neoplastic Syndromes, Hereditary; Tumor predisposition; Hereditary Cancer Syndrome. Identifiers: Orphanet 140162, MedGen C0027672, MeSH D009386, MONDO:0015356.
Lynch syndrome. Identifiers: Orphanet 144, MedGen C4552100, MONDO:0005835. Disease mechanism: loss of function.

Allele frequency attached by ClinVar (database versions not stated): gnomAD exomes below 0.00001.
gnomAD v4.1: 7 of 1,614,144 alleles (0.00043%); highest among the groups gnomAD compares: Non-Finnish European, 0.00051%; no homozygotes.

Submissions (3):

Labcorp Genetics (formerly Invitae), Labcorp
Classification: Uncertain significance for Hereditary nonpolyposis colorectal neoplasms. Last evaluated: 2025-06-18. Review status: criteria provided, single submitter. Criteria: Invitae Variant Classification Sherloc (09022015). Collection method: clinical testing. Allele origin: germline.
Comment: This sequence change replaces leucine, which is neutral and non-polar, with valine, which is neutral and non-polar, at codon 637 of the MSH6 protein (p.Leu637Val). This variant is not present in population databases (gnomAD no frequency). This variant has not been reported in the literature in individuals affected with MSH6-related conditions. ClinVar contains an entry for this variant (Variation ID: 836539). Invitae Evidence Modeling of protein sequence and biophysical properties (such as structural, functional, and spatial information, amino acid conservation, physicochemical variation, residue mobility, and thermodynamic stability) indicates that this missense variant is not expected to disrupt MSH6 protein function with a negative predictive value of 95%. In summary, the available evidence is currently insufficient to determine the role of this variant in disease. Therefore, it has been classified as a Variant of Uncertain Significance.

All of Us Research Program, National Institutes of Health
Classification: Uncertain significance for Lynch syndrome. Last evaluated: 2024-08-13. Review status: criteria provided, single submitter. Criteria: ACMG Guidelines, 2015. Collection method: clinical testing. Allele origin: germline. Inheritance: Autosomal dominant inheritance. Observed: 1 variant allele, 1 heterozygote.
Comment: This missense variant replaces leucine with valine at codon 637 of the MSH6 protein. Computational prediction suggests that this variant may not impact protein structure and function (internally defined REVEL score threshold <= 0.5, PMID: 27666373). To our knowledge, functional studies have not been reported for this variant. This variant has not been reported in individuals affected with MSH6-related disorders in the literature. This variant has not been identified in the general population by the Genome Aggregation Database (gnomAD). The available evidence is insufficient to determine the role of this variant in disease conclusively. Therefore, this variant is classified as a Variant of Uncertain Significance.

This study involves interpretation of variants in research participants for the purpose of population health screening. Participant phenotype was not available at the time of variant classification. Additional details can be found in publication PMID: 35346344, PMCID: PMC8962531

Ambry Genetics
Classification: Uncertain significance for Hereditary cancer-predisposing syndrome. Last evaluated: 2023-02-08. Review status: criteria provided, single submitter. Criteria: Ambry Variant Classification Scheme 2023. Collection method: clinical testing. Allele origin: germline.
Comment: The p.L637V variant (also known as c.1909C>G), located in coding exon 4 of the MSH6 gene, results from a C to G substitution at nucleotide position 1909. The leucine at codon 637 is replaced by valine, an amino acid with highly similar properties. This amino acid position is highly conserved in available vertebrate species. In addition, the in silico prediction for this alteration is inconclusive. Since supporting evidence is limited at this time, the clinical significance of this alteration remains unclear.

NM_000179.3(MSH6):c.1909C>G (p.Leu637Val)

Gene: MSH6 (mutS homolog 6; plus strand). Cytogenetic location: 2p16.3.
Variant type: single nucleotide variant.
Coding change: c.1909C>G on transcript NM_000179.3 (MANE Select); coding-DNA position 1909, C replaced by G.
Protein change: p.Leu637Val; replaces leucine 637 with valine.
Molecular consequence: missense variant.
Genome position (GRCh38, 1-based): chr2:47,799,892, C>G. VCF-style: chr2-47799892-C-G. GRCh37 (hg19) VCF-style: chr2-48027031-C-G.
Other names: c.1519C>G, p.Leu507Val (NM_001281492.2); c.1003C>G, p.Leu335Val (NM_001281493.2, NM_001281494.2); short protein forms L507V, L637V, L335V.
Identifiers: ClinVar variation 836539 (VCV000836539.14), dbSNP rs1669391709, ClinGen allele CA346750174.